The following is an entry in ClinVar:

ClinVar aggregate classification (germline): Uncertain significance. Review status: criteria provided, multiple submitters, no conflicts (2 of 4 stars). 3 submissions from 3 submitters: Uncertain significance (3). Last evaluated 2024-07-10.

Conditions:
Inborn genetic diseases. Identifiers: MedGen C0950123, MeSH D030342.
C3 glomerulonephritis. Also called: Nephropathy due to CFHR5 Deficiency; C3 GLOMERULOPATHY 3. Identifiers: Orphanet 329931, MedGen C4055342, MONDO:0013892, OMIM 614809.

Allele frequency attached by ClinVar (database versions not stated): gnomAD exomes below 0.00001.
gnomAD v4.1: 8 of 1,542,116 alleles (0.00052%); highest among the groups gnomAD compares: African/African-American, 0.011%; no homozygotes.

Submissions (3):

Johns Hopkins Genomics, Johns Hopkins University
Classification: Uncertain significance for C3 glomerulonephritis. Last evaluated: 2024-07-10. Review status: criteria provided, single submitter. Criteria: ACMG Guidelines, 2015. Collection method: clinical testing. Allele origin: germline.
Comment: This CFHR5 missense variant (rs1369429921) is rare (<0.1%) in a large population dataset (gnomAD v4.1.0: 8/1542116 total alleles; 0.0005%; no homozygotes). It has been reported in ClinVar (Variation ID 2514795), but has not been reported in the literature, to our knowledge. Two bioinformatic tools queried predict that this substitution would be damaging, but these algorithms have low specificity, especially for predicting gain of function or dominant negative variants. The glutamine residue at this position is evolutionarily conserved across some of the species assessed. We consider the clinical significance of c.980A>C in CFHR5 to be uncertain at this time.

Ambry Genetics
Classification: Uncertain significance for Inborn genetic diseases. Last evaluated: 2023-03-24. Review status: criteria provided, single submitter. Criteria: Ambry Variant Classification Scheme 2023. Collection method: clinical testing. Allele origin: germline.

Blueprint Genetics
Classification: Uncertain significance. Last evaluated: 2020-04-19. Review status: criteria provided, single submitter. Criteria: ACMG Guidelines, 2015. Collection method: clinical testing. Allele origin: germline.

NM_030787.4(CFHR5):c.980A>C (p.Gln327Pro)

Gene: CFHR5 (complement factor H related 5; plus strand). Cytogenetic location: 1q31.3.
Variant type: single nucleotide variant.
Coding change: c.980A>C on transcript NM_030787.4 (MANE Select); coding-DNA position 980, A replaced by C.
Protein change: p.Gln327Pro; replaces glutamine 327 with proline.
Molecular consequence: missense variant.
Genome position (GRCh38, 1-based): chr1:196,998,137, A>C. VCF-style: chr1-196998137-A-C. GRCh37 (hg19) VCF-style: chr1-196967267-A-C.
Other names: short protein forms Q327P.
Identifiers: ClinVar variation 2514795 (VCV002514795.4), dbSNP rs1369429921, ClinGen allele CA344007427.